The following is an entry in ClinVar:

ClinVar aggregate classification (germline): Conflicting classifications of pathogenicity. Review status: criteria provided, conflicting classifications (1 of 4 stars). 2 submissions from 2 submitters: Likely pathogenic (1); Uncertain significance (1). Last evaluated 2025-06-06.

Conditions:
Hereditary cancer-predisposing syndrome. Also called: Hereditary neoplastic syndrome; Neoplastic Syndromes, Hereditary; Tumor predisposition; Hereditary Cancer Syndrome. Identifiers: Orphanet 140162, MedGen C0027672, MeSH D009386, MONDO:0015356.

Submissions (2):

GeneDx
Classification: Likely pathogenic. Last evaluated: 2025-06-06. Review status: criteria provided, single submitter. Criteria: GeneDx Variant Classification Process June 2021. Collection method: clinical testing. Allele origin: germline. Affected: yes.
Comment: Not observed at significant frequency in large population cohorts (gnomAD); In silico analysis supports that this missense variant has a deleterious effect on protein structure/function; Has not been previously published as pathogenic or benign to our knowledge; This variant is associated with the following publications: (PMID: 15235021, 22850631)

Ambry Genetics
Classification: Uncertain significance for Hereditary cancer-predisposing syndrome. Last evaluated: 2024-12-18. Review status: criteria provided, single submitter. Criteria: Ambry Variant Classification Scheme 2023. Collection method: clinical testing. Allele origin: germline.
Comment: The p.P593S variant (also known as c.1777C>T), located in coding exon 12 of the CDH1 gene, results from a C to T substitution at nucleotide position 1777. The proline at codon 593 is replaced by serine, an amino acid with similar properties. This variant was reported in individual(s) with features consistent with blepharocheilodontic syndrome (Ambry internal data). This amino acid position is highly conserved in available vertebrate species. In addition, this alteration is predicted to be deleterious by in silico analysis. Based on the available evidence, the clinical significance of this variant remains unclear.

NM_004360.5(CDH1):c.1777C>T (p.Pro593Ser)

Gene: CDH1 (cadherin 1; plus strand). Cytogenetic location: 16q22.1.
Variant type: single nucleotide variant.
Coding change: c.1777C>T on transcript NM_004360.5 (MANE Select); coding-DNA position 1777, C replaced by T.
Protein change: p.Pro593Ser; replaces proline 593 with serine.
Molecular consequence: missense variant. On other transcripts: 5 prime UTR variant (1).
Genome position (GRCh38, 1-based): chr16:68,822,066, C>T. VCF-style: chr16-68822066-C-T. GRCh37 (hg19) VCF-style: chr16-68855969-C-T.
Other names: c.1594C>T, p.Pro532Ser (NM_001317184.2); c.229C>T, p.Pro77Ser (NM_001317185.2); c.-189C>T (NM_001317186.2); short protein forms P77S, P532S, P593S.
Identifiers: ClinVar variation 3829978 (VCV003829978.2).